The following is an entry in ClinVar:

ClinVar aggregate classification (germline): Uncertain significance. Review status: no assertion criteria provided (0 of 4 stars). 2 submissions from 2 submitters: Uncertain significance (1). 1 of the submissions does not count toward it. Last evaluated 2017-03-29.

Conditions:
Xeroderma pigmentosum, group C (XPC). Also called: XPC-Related Xeroderma Pigmentosum; Xeroderma pigmentosum, complementation group C; XERODERMA PIGMENTOSUM III; XP, GROUP C. Identifiers: Orphanet 910, MedGen C2752147, MONDO:0010211, OMIM 278720.

Allele frequency attached by ClinVar (database versions not stated): gnomAD 0.00002; gnomAD exomes 0.00003; TOPMed 0.00003; ExAC 0.00004.
gnomAD v4.1: 17 of 1,613,828 alleles (0.0011%); highest among the groups gnomAD compares: Admixed American, 0.028%; no homozygotes.

Submissions (2):

Counsyl
Classification: Uncertain significance for Xeroderma pigmentosum, group C. Last evaluated: 2017-03-29. Review status: no assertion criteria provided. Collection method: clinical testing. Allele origin: unknown.

ITMI
No classification provided. Condition: AllHighlyPenetrant. Last evaluated: 2013-09-19. Review status: no classification provided. Collection method: reference population. Allele origin: germline. Not counted in ClinVar's aggregate classification.
Comment: Please see associated publication for description of ethnicities

Literature cited by the submitters: PubMed 24728327 (cited by Counsyl and ITMI).

NM_004628.5(XPC):c.478G>T (p.Val160Leu)

Gene: XPC (XPC complex subunit, DNA damage recognition and repair factor; minus strand). Cytogenetic location: 3p25.1.
Variant type: single nucleotide variant.
Coding change: c.478G>T on transcript NM_004628.5 (MANE Select); coding-DNA position 478, G replaced by T.
Protein change: p.Val160Leu; replaces valine 160 with leucine.
Molecular consequence: missense variant. On other transcripts: non-coding transcript variant (1), intron variant (1).
Genome position (GRCh38, 1-based): chr3:14,168,315, C>A on the plus strand (G>T on the coding strand, the complement: XPC is on the minus strand). VCF-style: chr3-14168315-C-A. GRCh37 (hg19) VCF-style: chr3-14209815-C-A.
Other names: c.478G>T, p.Val160Leu (NM_001354727.2, NM_001354730.2); c.460G>T, p.Val154Leu (NM_001354729.2); c.-43-1062G>T (NM_001354726.2); short protein forms V160L, V154L.
Identifiers: ClinVar variation 135492 (VCV000135492.2), dbSNP rs587778763, ClinGen allele CA162936.